The following is an entry in ClinVar:

NM_000037.4(ANK1):c.1506C>T (p.Ala502=)

Gene: ANK1 (ankyrin 1; minus strand). Cytogenetic location: 8p11.21.
Variant type: single nucleotide variant.
Coding change: c.1506C>T on transcript NM_000037.4 (MANE Select); coding-DNA position 1506, C replaced by T.
Protein change: p.Ala502=; no amino-acid change (alanine 502 retained).
Molecular consequence: synonymous variant.
Genome position (GRCh38, 1-based): chr8:41,715,748, G>A on the plus strand (C>T on the coding strand, the complement: ANK1 is on the minus strand). VCF-style: chr8-41715748-G-A. GRCh37 (hg19) VCF-style: chr8-41573266-G-A.
Other names: p.Ala502=; c.1605C>T, p.Ala535= (NM_001142446.2); c.1506C>T, p.Ala502= (NM_020475.3, NM_020476.3, NM_020477.3).
Identifiers: ClinVar variation 261291 (VCV000261291.46), dbSNP rs34387324, ClinGen allele CA4728595.

ClinVar aggregate classification (germline): Conflicting classifications of pathogenicity. Review status: criteria provided, conflicting classifications (1 of 4 stars). 7 submissions from 6 submitters: Uncertain significance (1); Benign (2); Likely benign (4). Last evaluated 2026-06-01.

Conditions:
Hereditary spherocytosis type 1. Also called: Spherocytosis type 1; ANK1-Related Spherocytosis. Identifiers: Orphanet 822, MedGen C2674218, MONDO:0008447, OMIM 182900.
Spherocytosis. Identifiers: MedGen C0553720, HP:0004444.

Allele frequency attached by ClinVar (database versions not stated): 1000 Genomes Project 0.00100; 1000 Genomes Project 30x 0.00156; TOPMed 0.00385; gnomAD exomes 0.00391 and 0.00646; gnomAD 0.00392 and 0.00407; ExAC 0.00396; ESP Exome Variant Server 0.00500.
gnomAD v4.1: 9,948 of 1,614,234 alleles (0.62%); highest among the groups gnomAD compares: Non-Finnish European, 0.78%; 47 homozygotes.

Submissions (7):

CeGaT Center for Human Genetics Tuebingen
Classification: Likely benign. Last evaluated: 2026-06-01. Review status: criteria provided, single submitter. Criteria: CeGaT Center For Human Genetics Tuebingen Variant Classification Criteria Version 2. Collection method: clinical testing. Allele origin: germline. Affected: yes. Observed: 7 variant alleles.
Comment: ANK1: BP4, BP7, BS2

Labcorp Genetics (formerly Invitae), Labcorp
Classification: Benign. Last evaluated: 2025-12-20. Review status: criteria provided, single submitter. Criteria: Invitae Variant Classification Sherloc (09022015). Collection method: clinical testing. Allele origin: germline.

ARUP Laboratories, Molecular Genetics and Genomics, ARUP Laboratories
Classification: Benign for Hereditary spherocytosis type 1. Last evaluated: 2025-05-23. Review status: criteria provided, single submitter. Criteria: ARUP Molecular Germline Variant Investigation Process 2024. Collection method: clinical testing. Allele origin: germline.

Mayo Clinic Laboratories, Mayo Clinic
Classification: Likely benign. Last evaluated: 2025-04-08. Review status: criteria provided, single submitter. Criteria: ACMG Guidelines, 2015. Collection method: clinical testing. Allele origin: germline. Observed: 30 variant alleles.
Comment: BS2, BP4, BP7

Illumina Laboratory Services, Illumina
Classification: Uncertain significance for Spherocytosis. Last evaluated: 2018-01-12. Review status: criteria provided, single submitter. Criteria: ICSL Variant Classification Criteria 13 December 2019. Collection method: clinical testing. Allele origin: germline.

Illumina Laboratory Services, Illumina
Classification: Likely benign for Hereditary spherocytosis type 1. Last evaluated: 2018-01-12. Review status: criteria provided, single submitter. Criteria: ICSL Variant Classification Criteria 13 December 2019. Collection method: clinical testing. Allele origin: germline.
Comment: This variant was observed in the ICSL laboratory as part of a predisposition screen in an ostensibly healthy population. It had not been previously curated by ICSL or reported in the Human Gene Mutation Database (HGMD: prior to June 1st, 2018), and was therefore a candidate for classification through an automated scoring system. Utilizing variant allele frequency, disease prevalence and penetrance estimates, and inheritance mode, an automated score was calculated to assess if this variant is too frequent to cause the disease. Based on the score and internal cut-off values, a variant classified as likely benign is not then subjected to further curation. The score for this variant resulted in a classification of likely benign for this disease.

PreventionGenetics, part of Exact Sciences
Classification: Likely benign. Review status: criteria provided, single submitter. Criteria: ACMG Guidelines, 2015. Collection method: clinical testing. Allele origin: germline.